The following is an entry in ClinVar:

NM_000218.3(KCNQ1):c.1394-7866C>T

Genes: KCNQ1 (potassium voltage-gated channel subfamily Q member 1; plus strand), KCNQ1OT1 (KCNQ1 opposite strand/antisense transcript 1; minus strand). Cytogenetic location: 11p15.5.
Variant type: single nucleotide variant.
Coding change: c.1394-7866C>T on transcript NM_000218.3 (MANE Select); 7866 bases into the intron before coding-DNA position 1394, C replaced by T.
Molecular consequence: intron variant.
Genome position (GRCh38, 1-based): chr11:2,654,095, C>T. VCF-style: chr11-2654095-C-T. GRCh37 (hg19) VCF-style: chr11-2675325-C-T.
Other names: c.1124-7866C>T (NM_001406837.1); c.1298-7866C>T (NM_001406836.1); c.854-7866C>T (NM_001406838.1); c.1013-7866C>T (NM_181798.2).
Identifiers: ClinVar variation 2582889 (VCV002582889.26), dbSNP rs117852175, ClinGen allele CA216165221.

ClinVar aggregate classification (germline): Benign/Likely benign. Review status: criteria provided, multiple submitters, no conflicts (2 of 4 stars). 2 submissions from 2 submitters: Benign (1); Likely benign (1). Last evaluated 2026-09-01.

Allele frequency attached by ClinVar (database versions not stated): gnomAD 0.00179; TOPMed 0.00220; gnomAD exomes 0.00251; 1000 Genomes Project 30x 0.00094; 1000 Genomes Project 0.00100.
gnomAD v4.1: 890 of 398,758 alleles (0.22%); highest among the groups gnomAD compares: Middle Eastern, 0.31%; 1 homozygote.

Submissions (2):

CeGaT Center for Human Genetics Tuebingen
Classification: Benign. Last evaluated: 2026-09-01. Review status: criteria provided, single submitter. Criteria: CeGaT Center For Human Genetics Tuebingen Variant Classification Criteria Version 2. Collection method: clinical testing. Allele origin: germline. Affected: yes. Observed: 27 variant alleles.
Comment: KCNQ1OT1: BS1, BS2

Blueprint Genetics
Classification: Likely benign. Last evaluated: 2024-11-27. Review status: criteria provided, single submitter. Criteria: ACMG Guidelines, 2015. Collection method: clinical testing. Allele origin: germline.